The following is an entry in ClinVar:

ClinVar aggregate classification (germline): Uncertain significance (1 of 4 stars; one submission).

Submission:

Athena Diagnostics
Classification: Uncertain significance. Last evaluated: 2023-01-27. Review status: criteria provided, single submitter. Criteria: Athena Diagnostics Criteria. Collection method: clinical testing. Allele origin: unknown.
Comment: Available data are insufficient to determine the clinical significance of the variant at this time. The frequency of this variant in the general population is uninformative in assessment of its pathogenicity. RNA splicing is not expected during the normal processing of this gene, therefore computational splicing tools were not utilized to evaluate this variant.

NC_012920.1(MT-TK):m.8302A>G

Gene: MT-TK (mitochondrially encoded tRNA lysine; plus strand).
Variant type: single nucleotide variant.
Genome position: chrM-8302-A-G.
Identifiers: ClinVar variation 1807275 (VCV001807275.2), dbSNP rs1603221397, ClinGen allele CA913178882.
Genomic context (GRCh38, chrMT:8,302, plus strand): 5'-TGAAATAGGGCCCGTATTTACCCTATAGCACCCCCTCTACCCCCTCTAGAGCCCACTGTA[A>G]AGCTAACTTAGCATTAACCTTTTAAGTTAAAGATTAAGAGAACCAACACCTCTTTACAGT-3'